The following is an entry in ClinVar:

ClinVar aggregate classification (germline): Uncertain significance (1 of 4 stars; one submission).

Conditions:
Fanconi anemia (FA). Also called: Fanconi's anemia. Identifiers: Orphanet 84, MedGen C0015625, MeSH D005199, MONDO:0019391.

Submission:

Labcorp Genetics (formerly Invitae), Labcorp
Classification: Uncertain significance for Fanconi anemia. Last evaluated: 2022-06-08. Review status: criteria provided, single submitter. Criteria: Invitae Variant Classification Sherloc (09022015). Collection method: clinical testing. Allele origin: germline.
Comment: In summary, the available evidence is currently insufficient to determine the role of this variant in disease. Therefore, it has been classified as a Variant of Uncertain Significance. Algorithms developed to predict the effect of missense changes on protein structure and function (SIFT, PolyPhen-2, Align-GVGD) all suggest that this variant is likely to be tolerated. This variant has not been reported in the literature in individuals affected with FANCM-related conditions. This variant is not present in population databases (gnomAD no frequency). This sequence change replaces proline, which is neutral and non-polar, with alanine, which is neutral and non-polar, at codon 1160 of the FANCM protein (p.Pro1160Ala).

NM_020937.4(FANCM):c.3478C>G (p.Pro1160Ala)

Gene: FANCM (FA complementation group M; plus strand). Cytogenetic location: 14q21.2.
Variant type: single nucleotide variant.
Coding change: c.3478C>G on transcript NM_020937.4 (MANE Select); coding-DNA position 3478, C replaced by G.
Protein change: p.Pro1160Ala; replaces proline 1160 with alanine.
Molecular consequence: missense variant.
Genome position (GRCh38, 1-based): chr14:45,176,232, C>G. VCF-style: chr14-45176232-C-G. GRCh37 (hg19) VCF-style: chr14-45645435-C-G.
Other names: c.3400C>G, p.Pro1134Ala (NM_001308133.2); short protein forms P1134A, P1160A.
Identifiers: ClinVar variation 2003243 (VCV002003243.4), dbSNP rs2139248794, ClinGen allele CA389601724.